The following is an entry in ClinVar:

ClinVar aggregate classification (germline): Pathogenic. Review status: criteria provided, multiple submitters, no conflicts (2 of 4 stars). 8 submissions from 8 submitters: Pathogenic (6). 2 of the submissions do not count toward it. Last evaluated 2025-11-23.

Conditions:
Beta-thalassemia HBB/LCRB. Identifiers: MedGen CN322236, MONDO:0013517, OMIM 613985.
Dominant beta-thalassemia. Also called: Beta-thalassemia, dominant inclusion body type. Identifiers: Orphanet 231226, Orphanet 848, MedGen C1858990, MONDO:0011381, OMIM 603902.
beta Thalassemia (BTHAL). Also called: Cooley's anemia; Erythroblastic anemia; Mediterranean anemia. Identifiers: Orphanet 848, MedGen C0005283, MONDO:0019402. Disease mechanism: loss of function.
Hb SS disease (SCD). Also called: Hemoglobin SS; Sickle cell anemia; Sickle cell disease; HbS disease; Hemoglobin S Disease; Sickling disorder due to hemoglobin S. Identifiers: Orphanet 232, Orphanet 275752, MedGen C0002895, MONDO:0011382, OMIM 603903.

gnomAD v4.1: 2 of 1,614,098 alleles (0.00012%); highest among the groups gnomAD compares: Non-Finnish European, 0.00017%; no homozygotes.

Submissions (8):

Natera, Inc.
Classification: Pathogenic for Beta thalassemia. Last evaluated: 2025-11-23. Review status: criteria provided, single submitter. Criteria: Natera Variant Classification Schema (03/2026). Collection method: clinical testing. Allele origin: germline.
Comment: The c.364G>T variant in HBB is a nonsense variant predicted to introduce a stop codon at amino acid 122. This variant is expected to result in nonsense mediated decay, truncation, or a dysfunctional protein product. This variant is rare in the general population with a frequency below the threshold expected for the associated phenotype(s). This variant has been observed in one or more individuals affected with the associated recessive disease, as either homozygous or compound heterozygous with a second variant (PMID: 2207008). This variant has been observed in affected individual(s) with monoallelic occurrence (heterozygous/hemizygous) (PMID: 2563949, 1486039, 1517108). Given the available evidence, this variant is classified as Pathogenic.

ARUP Laboratories, Molecular Genetics and Genomics, ARUP Laboratories
Classification: Pathogenic. Last evaluated: 2025-06-25. Review status: criteria provided, single submitter. Criteria: ARUP Molecular Germline Variant Investigation Process 2024. Collection method: clinical testing. Allele origin: germline.
Comment: The HBB c.364G>T; p.Glu122Ter variant (also known as Glu121Ter when numbered from the mature protein or as Codon 121 (G->T), rs33946267, HbVar ID: 951) is reported in the literature in multiple individuals with clinical features varying from mild microcytic anemia to hemolytic anemia with splenomegaly and inclusion bodies (Divoka 2016, Fei 1989, Giordano 1998, Indrak 1992, Kazazian 1986, Stamatoyannopoulos 1974, Thein 1990). In at least one severely affected individual, this variant was not found in either parent and thus appears to have arisen de novo (Kazazian 1986). The p.Glu122Ter variant was reported in early studies to segregate in several families with a dominant form of beta-thalassemia with inclusion bodies (Fei 1989, Stamatoyannopoulos 1974, Thein 1990). However, later observations in heterozygous individuals with hematology consistent with beta-thalassemia trait suggested this variant may exhibit a more typical recessive inheritance pattern, but with a clinical presentation possibly made more severe due to additional genetic or environmental factors (Divoka 2016, Giordano 1998, Indrak 1992). This variant is reported in ClinVar (Variation ID: 15404) and is absent from the Genome Aggregation Database, indicating it is not a common polymorphism. This variant results in a premature termination codon in the last exon of the HBB gene. While this may not lead to nonsense-mediated decay, it is expected to create a truncated protein lacking 26 amino acids, several of which are essential for heme binding (Thein 1990). Based on available information, this variant is considered to be pathogenic. References: Link to HbVar database: Divoka M et al. Molecular Characterization of ÃŸ-Thalassemia in the Czech and Slovak Populations: Mediterranean, Asian and Unique Mutations. Hemoglobin. 2016 Jun;40(3):156-62. PMID: 26956563. Fei YJ et al. One form of inclusion body beta-thalassemia is due to a GAA----TAA mutation at codon 121 of the beta chain. Blood. 1989 Mar;73(4):1075-7. PMID: 2563949. Giordano PC et al. Phenotype variability of the dominant beta-thalassemia induced in four Dutch families by the rare cd121 (G-->T) mutation. Ann Hematol. 1998 Dec;77(6):249-55. PMID: 9875660. Indrak K et al. Molecular characterization of beta-thalassemia in Czechoslovakia. Hum Genet. 1992 Feb;88(4):399-404. PMID: 1740317. Kazazian HH Jr et al. Characterization of a spontaneous mutation to a beta-thalassemia allele. Am J Hum Genet. 1986 Jun;38(6):860-7. PMID: 3014870. Stamatoyannopoulos G et al. Inclusion-body beta-thalassemia trait. A form of beta thalassemia producing clinical manifestations in simple heterozygotes. N Engl J Med. 1974 Apr 25;290(17):939-43. PMID: 4361439. Thein SL et al. Molecular basis for dominantly inherited inclusion body beta-thalassemia. Proc Natl Acad Sci U S A. 1990 May;87(10):3924-8. PMID: 1971109.

Quest Diagnostics Nichols Institute San Juan Capistrano
Classification: Pathogenic. Last evaluated: 2023-03-29. Review status: criteria provided, single submitter. Criteria: Quest Diagnostics criteria. Collection method: clinical testing. Allele origin: unknown.
Comment: The HBB c.364G>T (p.Glu122*) nonsense variant causes the premature termination of HBB protein synthesis. This variant has not been reported in large, multi-ethnic general populations. In the published literature, the variant has been detected in multiple individuals with beta-thalassemia ranging from mild microcytic anemia to hemolytic anemia with splenomegaly and inclusion bodies (PMIDs: 4361439 (1974), 3014870 (1986), 2563949 (1989), 1971109 (1990), 1740317 (1992), 1517108 (1992), 9163586 (1997), 9875660 (1998), 24080465 (2013), 24265529 (2013), and 26956563 (2016)). Also, this variant has been reported to segregate in a dominant manner with the sever phenotype with presence of inclusion bodies in multiple families (PMIDs: 4361439 (1974), 2563949 (1989), 1971109 (1990), and 9875660 (1998)). In at least one of those severe cases, the variant was absent from parents and seemed to occur as a de novo event (PMID: 3014870 (1986)). Later studies suggested a more recessive pattern of inheritance for this variant with carriers showing more severe phenotype compared to a typical beta-thalassemia trait (PMIDs: 1740317 (1992) and 26956563 (2016)). While the variant is in the last exon and might skip nonsense-mediated decay, it is expected to create a truncated protein lacking 26 amino acids that are important to protein function (PMID: 1971109 (1990)). Based on the available information, this variant is classified as pathogenic.

Mayo Clinic Laboratories, Mayo Clinic
Classification: Pathogenic. Last evaluated: 2022-06-06. Review status: criteria provided, single submitter. Criteria: ACMG Guidelines, 2015. Collection method: clinical testing. Allele origin: germline. Observed: 1 variant allele.

Women's Health and Genetics/Laboratory Corporation of America, LabCorp
Classification: Pathogenic for Dominant beta-thalassemia. Last evaluated: 2022-05-06. Review status: criteria provided, single submitter. Criteria: LabCorp Variant Classification Summary - May 2015. Collection method: clinical testing. Allele origin: germline.
Comment: Variant summary: HBB c.364G>T (p.Glu122X, also reported as p.Glu121X) is located in exon 3 (i.e. in the last exon) of the HBB gene. The current variant results in a premature termination codon that is not expected to cause nonsense mediated decay (NMD), but is predicted to cause a C-terminal truncation, removing a part of the 147 amino acid long protein. A truncation downstream of this position has been classified as pathogenic for dominant B-THAL by our laboratory. The variant was absent in 282706 control chromosomes (gnomAD). c.364G>T has been reported in the literature in multiple individuals affected with considerable variation in phenotype, ranging from mild anemia to severe hemolytic anemia with splenomegaly (e.g. Kazazian_1986, Thein_1990, Giordano_1998). The variant segregated with the phenotype in a dominant manner, and the presence of inclusion bodies was also noted in several cases. In at least one of these reported individuals the variant likely occurred as a de novo event (Kazazian 1986). A publication reported the presence of a truncated protein product from a patient, however the amount of the truncated protein was very low, suggesting that this beta-globin variant is highly unstable and is mostly degraded soon after translation, although the presence of the truncated protein product, might also explain the presence of the frequently reported Heinz bodies (Adams_1990). These data indicate that the variant is very likely to be associated with disease. Four ClinVar submitters have assessed the variant since 2014: all four classified the variant as pathogenic. Based on the evidence outlined above, the variant was classified as pathogenic for dominant B-THAL.

Baylor Genetics
Classification: Pathogenic for Hb SS disease. Review status: criteria provided, single submitter. Criteria: ACMG Guidelines, 2015. Collection method: clinical testing. Allele origin: germline.

Counsyl
Classification: Pathogenic for Beta-thalassemia HBB/LCRB. Last evaluated: 2018-01-30. Review status: no assertion criteria provided. Collection method: clinical testing. Allele origin: unknown. Not counted in ClinVar's aggregate classification.

OMIM
Classification: Pathogenic for BETA-THALASSEMIA, DOMINANT INCLUSION BODY TYPE. Last evaluated: 2010-06-03. Review status: no assertion criteria provided. Collection method: literature only. Allele origin: germline. Not counted in ClinVar's aggregate classification.

Literature cited by the submitters: PubMed 2207008 (cited by 4 submitters); PubMed 2563949 (cited by 4 submitters); PubMed 1486039 (cited by Natera, Inc.); PubMed 1517108 (cited by 3 submitters); PubMed 24265529 (cited by Quest Diagnostics Nichols Institute San Juan Capistrano and Counsyl); PubMed 24080465 (cited by Quest Diagnostics Nichols Institute San Juan Capistrano and Counsyl); PubMed 9875660 (cited by 3 submitters); PubMed 9163586 (cited by Quest Diagnostics Nichols Institute San Juan Capistrano and Counsyl); PubMed 9101288 (cited by Quest Diagnostics Nichols Institute San Juan Capistrano and Counsyl); PubMed 8161774 (cited by Quest Diagnostics Nichols Institute San Juan Capistrano and Counsyl); PubMed 3014870 (cited by 3 submitters); PubMed 4361439 (cited by Quest Diagnostics Nichols Institute San Juan Capistrano); PubMed 1971109 (cited by 4 submitters); PubMed 1740317 (cited by Quest Diagnostics Nichols Institute San Juan Capistrano and Counsyl); PubMed 25849334 (cited by Quest Diagnostics Nichols Institute San Juan Capistrano and Counsyl); PubMed 26956563 (cited by Quest Diagnostics Nichols Institute San Juan Capistrano); PubMed 8978308 (cited by Counsyl); PubMed 10367791 (cited by Counsyl); PubMed 26877226 (cited by Counsyl); Kazazian, H. H., Jr. Personal Communication. 1989. Baltimore, Md. (cited by OMIM); PubMed 4129558 (cited by OMIM); PubMed 20233970 (cited by OMIM).

NM_000518.5(HBB):c.364G>T (p.Glu122Ter)

Genes: HBB (hemoglobin subunit beta; minus strand), LOC107133510 (origin of replication at HBB; plus strand), LOC110006319 (beta-globin gene 3' regulatory region; plus strand). Cytogenetic location: 11p15.4.
Variant type: single nucleotide variant.
Coding change: c.364G>T on transcript NM_000518.5 (MANE Select); coding-DNA position 364, G replaced by T.
Protein change: p.Glu122Ter; replaces glutamic acid 122 with a stop codon.
Molecular consequence: nonsense.
Genome position (GRCh38, 1-based): chr11:5,225,678, C>A on the plus strand (G>T on the coding strand, the complement: HBB is on the minus strand). VCF-style: chr11-5225678-C-A. GRCh37 (hg19) VCF-style: chr11-5246908-C-A.
Other names: E121*; short protein forms E122*.
Identifiers: ClinVar variation 15404 (VCV000015404.108), dbSNP rs33946267, ClinGen allele CA125263.